The following is an entry in ClinVar:

ClinVar aggregate classification (germline): Uncertain significance. Review status: criteria provided, multiple submitters, no conflicts (2 of 4 stars). 4 submissions from 4 submitters: Uncertain significance (4). Last evaluated 2026-03-03.

Conditions:
SH3TC2-related disorder. Also called: SH3TC2-related condition; SH3TC2-related disorders. Identifiers: MedGen CN239303.
Inborn genetic diseases. Identifiers: MedGen C0950123, MeSH D030342.
Charcot-Marie-Tooth disease type 4. Also called: Charcot-Marie-Tooth disease, type IV; Charcot-Marie-Tooth, Type 4. Identifiers: Orphanet 64749, MedGen C4082197, MONDO:0018995.

Allele frequency attached by ClinVar (database versions not stated): gnomAD exomes 0.00001 and 0.00004; TOPMed 0.00003; gnomAD 0.00005 and 0.00006; ESP Exome Variant Server 0.00008; ExAC 0.00001.
gnomAD v4.1: 60 of 1,613,990 alleles (0.0037%); highest among the groups gnomAD compares: Non-Finnish European, 0.0048%; no homozygotes.

Submissions (4):

PreventionGenetics, part of Exact Sciences
Classification: Uncertain significance for SH3TC2-related condition. Last evaluated: 2026-03-03. Review status: criteria provided, single submitter. Criteria: ACMG Guidelines, 2015. Collection method: clinical testing. Allele origin: germline.
Comment: The SH3TC2 c.3077G>A variant is predicted to result in the amino acid substitution p.Cys1026Tyr. To our knowledge, this variant has not been reported in the literature. This variant is reported in 0.0040% of alleles in individuals of African descent in gnomAD. At this time, the clinical significance of this variant is uncertain due to the absence of conclusive functional and genetic evidence.

Mayo Clinic Laboratories, Mayo Clinic
Classification: Uncertain significance. Last evaluated: 2024-10-22. Review status: criteria provided, single submitter. Criteria: ACMG Guidelines, 2015. Collection method: clinical testing. Allele origin: germline. Observed: 2 variant alleles.

Labcorp Genetics (formerly Invitae), Labcorp
Classification: Uncertain significance for Charcot-Marie-Tooth disease type 4. Last evaluated: 2022-10-05. Review status: criteria provided, single submitter. Criteria: Invitae Variant Classification Sherloc (09022015). Collection method: clinical testing. Allele origin: germline.
Comment: This sequence change replaces cysteine, which is neutral and slightly polar, with tyrosine, which is neutral and polar, at codon 1026 of the SH3TC2 protein (p.Cys1026Tyr). The frequency data for this variant in the population databases is considered unreliable, as metrics indicate poor data quality at this position in the gnomAD database. This variant has not been reported in the literature in individuals affected with SH3TC2-related conditions. ClinVar contains an entry for this variant (Variation ID: 476904). Advanced modeling of protein sequence and biophysical properties (such as structural, functional, and spatial information, amino acid conservation, physicochemical variation, residue mobility, and thermodynamic stability) performed at Invitae indicates that this missense variant is not expected to disrupt SH3TC2 protein function. In summary, the available evidence is currently insufficient to determine the role of this variant in disease. Therefore, it has been classified as a Variant of Uncertain Significance.

Ambry Genetics
Classification: Uncertain significance for Inborn genetic diseases. Last evaluated: 2022-05-12. Review status: criteria provided, single submitter. Criteria: Ambry Variant Classification Scheme 2023. Collection method: clinical testing. Allele origin: germline.
Comment: The p.C1026Y variant (also known as c.3077G>A), located in coding exon 13 of the SH3TC2 gene, results from a G to A substitution at nucleotide position 3077. The cysteine at codon 1026 is replaced by tyrosine, an amino acid with highly dissimilar properties. This amino acid position is conserved. In addition, the in silico prediction for this alteration is inconclusive. Since supporting evidence is limited at this time, the clinical significance of this alteration remains unclear.

NM_024577.4(SH3TC2):c.3077G>A (p.Cys1026Tyr)

Gene: SH3TC2 (SH3 domain and tetratricopeptide repeats 2; minus strand). Cytogenetic location: 5q32.
Variant type: single nucleotide variant.
Coding change: c.3077G>A on transcript NM_024577.4 (MANE Select); coding-DNA position 3077, G replaced by A.
Protein change: p.Cys1026Tyr; replaces cysteine 1026 with tyrosine.
Molecular consequence: missense variant.
Genome position (GRCh38, 1-based): chr5:149,012,711, C>T on the plus strand (G>A on the coding strand, the complement: SH3TC2 is on the minus strand). VCF-style: chr5-149012711-C-T. GRCh37 (hg19) VCF-style: chr5-148392274-C-T.
Other names: p.Cys1026Tyr; short protein forms C1026Y.
Identifiers: ClinVar variation 476904 (VCV000476904.10), dbSNP rs367656036, ClinGen allele CA3498856.
Genomic context (GRCh38, chr5:149,012,711, plus strand): 5'-GCCTCAGCAGCCTTGTCTGTCTCCCCCAGGTCAATGAAGATACGCAGGCTCTCCTTGATG[C>T]ATGTGAGTGACCTCCTGAGGGACCTGGGGACAGACATGAACTTGTGAGGTGTGAAGGCTC-3'
Protein context (NP_078853.2, residues 1016-1036): TARSLRRSLT[Cys1026Tyr]IKESLRIFID